The following is an entry in ClinVar:

ClinVar aggregate classification (germline): Likely benign (0 of 4 stars; one submission).

Conditions:
EPB41L1-related disorder. Also called: EPB41L1-related condition.

Allele frequency attached by ClinVar (database versions not stated): TOPMed 0.00002; gnomAD 0.00007; 1000 Genomes Project 30x 0.00016; 1000 Genomes Project 0.00020; ExAC 0.00030.
gnomAD v4.1: 231 of 1,614,032 alleles (0.014%); highest among the groups gnomAD compares: South Asian, 0.21%; 3 homozygotes.

Submission:

PreventionGenetics, part of Exact Sciences
Classification: Likely benign for EPB41L1-related condition. Last evaluated: 2019-09-05. Review status: no assertion criteria provided. Collection method: clinical testing. Allele origin: germline.
Comment: This variant is classified as likely benign based on ACMG/AMP sequence variant interpretation guidelines (Richards et al. 2015 PMID: 25741868, with internal and published modifications).

NM_012156.2(EPB41L1):c.1242A>C (p.Ala414=)

Gene: EPB41L1 (erythrocyte membrane protein band 4.1 like 1; plus strand). Cytogenetic location: 20q11.23.
Variant type: single nucleotide variant.
Coding change: c.1242A>C on transcript NM_012156.2 (MANE Select); coding-DNA position 1242, A replaced by C.
Protein change: p.Ala414=; no amino-acid change (alanine 414 retained).
Molecular consequence: synonymous variant.
Genome position (GRCh38, 1-based): chr20:36,190,739, A>C. VCF-style: chr20-36190739-A-C. GRCh37 (hg19) VCF-style: chr20-34778661-A-C.
Other names: c.1242A>C, p.Ala414= (NM_001258329.1, NM_001424382.1, NM_001424383.1 and 13 more transcripts); c.1149A>C, p.Ala383= (NM_001258330.1); c.1056A>C, p.Ala352= (NM_001258331.2, NM_001424373.1, NM_001424374.1 and 19 more transcripts).
Identifiers: ClinVar variation 3052328 (VCV003052328.2), dbSNP rs574706898, ClinGen allele CA9839808.
Genomic context (GRCh38, chr20:36,190,739, plus strand): 5'-GTACAGTGGGAGGACCCAGGCACAGACTCGCCAGGCCAGCGCCCTCATTGACCGGCCTGC[A>C]CCCTTCTTTGAGCGTTCTTCCAGCAAACGGTACACCATGTCCCGCAGCCTTGATGGAGGT-3'
Protein context (NP_036288.2, residues 404-424): RQASALIDRP[Ala414=]PFFERSSSKR